The following is an entry in ClinVar:

ClinVar aggregate classification (germline): Uncertain significance (1 of 4 stars; one submission).

Conditions:
FBRSL1-related disorder. Also called: FBRSL1-related condition.

Submission:

PreventionGenetics, part of Exact Sciences
Classification: Uncertain significance for FBRSL1-related condition. Last evaluated: 2026-06-25. Review status: criteria provided, single submitter. Criteria: ACMG Guidelines, 2015. Collection method: clinical testing. Allele origin: germline.
Comment: The FBRSL1 c.43C>T variant is predicted to result in the amino acid substitution p.Arg15Trp. To our knowledge, this variant has not been reported in the literature or in a large population database (gnomAD), indicating this variant is rare. At this time, the clinical significance of this variant is uncertain due to the absence of conclusive functional and genetic evidence.

NM_001367871.1(FBRSL1):c.43C>T (p.Arg15Trp)

Gene: FBRSL1 (fibrosin like 1; plus strand). Cytogenetic location: 12q24.33.
Variant type: single nucleotide variant.
Coding change: c.43C>T on transcript NM_001367871.1 (MANE Select); coding-DNA position 43, C replaced by T.
Protein change: p.Arg15Trp; replaces arginine 15 with tryptophan.
Molecular consequence: missense variant. On other transcripts: non-coding transcript variant (1).
Genome position (GRCh38, 1-based): chr12:132,490,613, C>T. VCF-style: chr12-132490613-C-T. GRCh37 (hg19) VCF-style: chr12-133067199-C-T.
Other names: c.43C>T, p.Arg15Trp (NM_001142641.2, NM_001382739.1, NM_001382740.1 and 2 more transcripts); short protein forms R15W.
Identifiers: ClinVar variation 4995400 (VCV004995400.1).